The following is an entry in ClinVar:

NC_000009.12:g.(?_77209413)_(77276231_?)del

Gene: VPS13A (vacuolar protein sorting 13 homolog A; plus strand). Cytogenetic location: 9q21.2.
Variant type: Deletion.
Identifiers: ClinVar variation 830870 (VCV000830870.7).

ClinVar aggregate classification (germline): Pathogenic (1 of 4 stars; one submission).

Submission:

Labcorp Genetics (formerly Invitae), Labcorp
Classification: Pathogenic. Last evaluated: 2020-10-02. Review status: criteria provided, single submitter. Criteria: Invitae Variant Classification Sherloc (09022015). Collection method: clinical testing. Allele origin: germline.
Comment: For these reasons, this variant has been classified as Pathogenic. Sub-genic in-frame deletion of exons 8-9 has been determined to be pathogenic (PMID: 29845114). Therefore, deletions that fully encompass that region are also expected to be pathogenic. This variant has not been reported in the literature in individuals with a VPS13A-related disease. This variant is an in-frame deletion of the genomic region encompassing exons 6-26 of the VPS13A gene. It preserves the integrity of the reading frame.

Literature cited by the submitters: PubMed 29845114.